The following is an entry in ClinVar:

ClinVar aggregate classification (germline): Uncertain significance (1 of 4 stars; one submission).

Conditions:
Cardiovascular phenotype. Identifiers: MedGen CN230736.

Allele frequency attached by ClinVar (database versions not stated): gnomAD 0.00001; gnomAD exomes 0.00001.
gnomAD v4.1: 12 of 1,547,976 alleles (0.00078%); highest among the groups gnomAD compares: East Asian, 0.0024%; no homozygotes.

Submission:

Ambry Genetics
Classification: Uncertain significance for Cardiovascular phenotype. Last evaluated: 2023-09-28. Review status: criteria provided, single submitter. Criteria: Ambry Variant Classification Scheme 2023. Collection method: clinical testing. Allele origin: germline.
Comment: The p.G114D variant (also known as c.341G>A), located in coding exon 1 of the ZNF469 gene, results from a G to A substitution at nucleotide position 341. The glycine at codon 114 is replaced by aspartic acid, an amino acid with similar properties. This amino acid position is conserved. In addition, this alteration is predicted to be tolerated by in silico analysis. Since supporting evidence is limited at this time, the clinical significance of this alteration remains unclear.

NM_001367624.2(ZNF469):c.341G>A (p.Gly114Asp)

Gene: ZNF469 (zinc finger protein 469; plus strand). Cytogenetic location: 16q24.2.
Variant type: single nucleotide variant.
Coding change: c.341G>A on transcript NM_001367624.2 (MANE Select); coding-DNA position 341, G replaced by A.
Protein change: p.Gly114Asp; replaces glycine 114 with aspartic acid.
Molecular consequence: missense variant.
Genome position (GRCh38, 1-based): chr16:88,427,811, G>A. VCF-style: chr16-88427811-G-A. GRCh37 (hg19) VCF-style: chr16-88494219-G-A.
Other names: NM_001127464.1:c.341G>A; short protein forms G114D.
Identifiers: ClinVar variation 3232792 (VCV003232792.1), dbSNP rs1263251481, ClinGen allele CA397059206.